The following is an entry in ClinVar:

ClinVar aggregate classification (germline): Likely benign (1 of 4 stars; one submission).

Allele frequency attached by ClinVar (database versions not stated): 1000 Genomes Project 30x 0.00234; 1000 Genomes Project 0.00240; TOPMed 0.00496; gnomAD 0.00572; ExAC 0.00582; ESP Exome Variant Server 0.00630; gnomAD exomes 0.00844.

Submission:

CeGaT Center for Human Genetics Tuebingen
Classification: Likely benign. Last evaluated: 2023-02-01. Review status: criteria provided, single submitter. Criteria: CeGaT Center For Human Genetics Tuebingen Variant Classification Criteria Version 2. Collection method: clinical testing. Allele origin: germline. Affected: yes. Observed: 1 variant allele.
Comment: CEP131: BP4, BP7, BS2

NM_014984.4(CEP131):c.231C>T (p.Asn77=)

Gene: CEP131 (centrosomal protein 131; minus strand). Cytogenetic location: 17q25.3.
Variant type: single nucleotide variant.
Coding change: c.231C>T on transcript NM_014984.4 (MANE Select); coding-DNA position 231, C replaced by T.
Protein change: p.Asn77=; no amino-acid change (asparagine 77 retained).
Molecular consequence: synonymous variant.
Genome position (GRCh38, 1-based): chr17:81,208,969, G>A on the plus strand (C>T on the coding strand, the complement: CEP131 is on the minus strand). VCF-style: chr17-81208969-G-A. GRCh37 (hg19) VCF-style: chr17-79182769-G-A.
Other names: c.231C>T, p.Asn77= (NM_001009811.4, NM_001319228.2, NM_001319229.2).
Identifiers: ClinVar variation 2648442 (VCV002648442.24), dbSNP rs147013250, ClinGen allele CA8830373.